The following is an entry in ClinVar:

ClinVar aggregate classification (germline): Uncertain significance (0 of 4 stars; one submission).

Allele frequency attached by ClinVar (database versions not stated): gnomAD exomes below 0.00001; gnomAD 0.00001; ExAC 0.00002.

Submission:

Department of Pathology and Laboratory Medicine, Sinai Health System
Classification: Uncertain significance. Review status: no assertion criteria provided. Collection method: clinical testing. Allele origin: unknown. Affected: yes. Study: The Canadian Open Genetics Repository (COGR).
Comment: The KCNJ18 p.Pro122Ser variant was not identified in the literature nor was it identified in ClinVar or Cosmic. The variant was identified in dbSNP (ID: rs112342786) and was also found in control databases in 2 of 282650 chromosomes at a frequency of 0.000007 (Genome Aggregation Database Feb 27, 2017). The variant was observed in the following populations: African in 1 of 24952 chromosomes (freq: 0.00004) and European (non-Finnish) in 1 of 129008 chromosomes (freq: 0.000008), while the variant was not observed in the Latino, Ashkenazi Jewish, East Asian, European (Finnish), Other, and South Asian populations. The variant occurs outside of the splicing consensus sequence and in silico or computational prediction software programs (SpliceSiteFinder, MaxEntScan, NNSPLICE, GeneSplicer) do not predict a difference in splicing. The p.Pro122 residue is conserved across mammals and other organisms, and all computational analyses (PolyPhen-2, SIFT, AlignGVGD, BLOSUM, MutationTaster) suggest that the variant may impact the protein; however, this information is not predictive enough to assume pathogenicity. In summary, based on the above information the clinical significance of this variant cannot be determined with certainty at this time. This variant is classified as a variant of uncertain significance.

NM_021012.5(KCNJ12):c.364C>T (p.Pro122Ser)

Gene: KCNJ12 (potassium inwardly rectifying channel subfamily J member 12; plus strand). Cytogenetic location: 17p11.2.
Variant type: single nucleotide variant.
Coding change: c.364C>T on transcript NM_021012.5 (MANE Select); coding-DNA position 364, C replaced by T.
Protein change: p.Pro122Ser; replaces proline 122 with serine.
Molecular consequence: missense variant.
Genome position (GRCh38, 1-based): chr17:21,415,706, C>T. VCF-style: chr17-21415706-C-T. GRCh37 (hg19) VCF-style: chr17-21319018-C-T.
Other names: short protein forms P122S.
Identifiers: ClinVar variation 1050773 (VCV001050773.1), dbSNP rs112342786, ClinGen allele CA8451095.